The following is an entry in ClinVar:

NM_002471.4(MYH6):c.3616G>A (p.Gly1206Ser)

Gene: MYH6 (myosin heavy chain 6; minus strand). Cytogenetic location: 14q11.2.
Variant type: single nucleotide variant.
Coding change: c.3616G>A on transcript NM_002471.4 (MANE Select); coding-DNA position 3616, G replaced by A.
Protein change: p.Gly1206Ser; replaces glycine 1206 with serine.
Molecular consequence: missense variant.
Genome position (GRCh38, 1-based): chr14:23,390,173, C>T on the plus strand (G>A on the coding strand, the complement: MYH6 is on the minus strand). VCF-style: chr14-23390173-C-T. GRCh37 (hg19) VCF-style: chr14-23859382-C-T.
Other names: short protein forms G1206S.
Identifiers: ClinVar variation 2179545 (VCV002179545.4), dbSNP rs2502159400, ClinGen allele CA389005738.

ClinVar aggregate classification (germline): Uncertain significance (1 of 4 stars; one submission).

Conditions:
Hypertrophic cardiomyopathy 14. Identifiers: MedGen C2750467, MONDO:0013197, OMIM 613251.

Submission:

Labcorp Genetics (formerly Invitae), Labcorp
Classification: Uncertain significance for Hypertrophic cardiomyopathy 14. Last evaluated: 2022-05-18. Review status: criteria provided, single submitter. Criteria: Invitae Variant Classification Sherloc (09022015). Collection method: clinical testing. Allele origin: germline.
Comment: Algorithms developed to predict the effect of missense changes on protein structure and function output the following: SIFT: "Deleterious"; PolyPhen-2: "Benign"; Align-GVGD: "Class C0". The serine amino acid residue is found in multiple mammalian species, which suggests that this missense change does not adversely affect protein function. This variant has not been reported in the literature in individuals affected with MYH6-related conditions. This variant is not present in population databases (gnomAD no frequency). This sequence change replaces glycine, which is neutral and non-polar, with serine, which is neutral and polar, at codon 1206 of the MYH6 protein (p.Gly1206Ser). In summary, the available evidence is currently insufficient to determine the role of this variant in disease. Therefore, it has been classified as a Variant of Uncertain Significance.